The following is an entry in ClinVar:

ClinVar aggregate classification (germline): Uncertain significance (1 of 4 stars; one submission).

Conditions:
EP300-related disorder. Also called: EP300-related condition; EP300-related disorders.

gnomAD v4.1: 36 of 1,613,976 alleles (0.0022%); highest among the groups gnomAD compares: Non-Finnish European, 0.0031%; no homozygotes.

Submission:

PreventionGenetics, part of Exact Sciences
Classification: Uncertain significance for EP300-related condition. Last evaluated: 2025-05-08. Review status: criteria provided, single submitter. Criteria: ACMG Guidelines, 2015. Collection method: clinical testing. Allele origin: germline.
Comment: The EP300 c.6283T>C variant is predicted to result in the amino acid substitution p.Ser2095Pro. To our knowledge, this variant has not been reported in the literature. This variant is reported in 0.00088% of alleles in individuals of European (Non-Finnish) descent in gnomAD. At this time, the clinical significance of this variant is uncertain due to the absence of conclusive functional and genetic evidence.

NM_001429.4(EP300):c.6283T>C (p.Ser2095Pro)

Gene: EP300 (EP300 lysine acetyltransferase; plus strand). Cytogenetic location: 22q13.2.
Variant type: single nucleotide variant.
Coding change: c.6283T>C on transcript NM_001429.4 (MANE Select); coding-DNA position 6283, T replaced by C.
Protein change: p.Ser2095Pro; replaces serine 2095 with proline.
Molecular consequence: missense variant.
Genome position (GRCh38, 1-based): chr22:41,177,994, T>C. VCF-style: chr22-41177994-T-C. GRCh37 (hg19) VCF-style: chr22-41573998-T-C.
Other names: c.6205T>C, p.Ser2069Pro (NM_001362843.2); short protein forms S2069P, S2095P.
Identifiers: ClinVar variation 4981024 (VCV004981024.1).